The following is an entry in ClinVar:

ClinVar aggregate classification (germline): Conflicting classifications of pathogenicity. Review status: criteria provided, conflicting classifications (1 of 4 stars). 2 submissions from 2 submitters: Uncertain significance (1); Likely benign (1). Last evaluated 2023-03-23.

Conditions:
Hereditary cancer-predisposing syndrome. Also called: Hereditary Cancer Syndrome; Hereditary neoplastic syndrome; Neoplastic Syndromes, Hereditary; Tumor predisposition. Identifiers: Orphanet 140162, MedGen C0027672, MeSH D009386, MONDO:0015356.
Hereditary breast ovarian cancer syndrome. Also called: Hereditary breast and ovarian cancer syndrome (HBOC); Breast and ovarian cancer; Hereditary breast and/or ovarian cancer syndrome; BRCA1- and BRCA2-Associated Hereditary Breast and Ovarian Cancer; Hereditary breast and ovarian cancer syndrome; Hereditary breast and ovarian cancer. Identifiers: Orphanet 145, MedGen C0677776, MeSH D061325, MONDO:0003582. Disease mechanism: loss of function.

Submissions (2):

University of Washington Department of Laboratory Medicine, University of Washington
Classification: Likely benign for Hereditary cancer-predisposing syndrome. Last evaluated: 2023-03-23. Review status: criteria provided, single submitter. Criteria: Dines et al. (Genet Med. 2020). Collection method: curation. Allele origin: germline.
Comment: Missense variant in a coldspot region where missense variants are very unlikely to be pathogenic (PMID:31911673).

BRCA1 coldspot (exon 11 using historical exon numbering). Reclassification based on statistical prior probability

Labcorp Genetics (formerly Invitae), Labcorp
Classification: Uncertain significance for Hereditary breast ovarian cancer syndrome. Last evaluated: 2020-06-01. Review status: criteria provided, single submitter. Criteria: Invitae Variant Classification Sherloc (09022015). Collection method: clinical testing. Allele origin: germline.
Comment: This sequence change replaces lysine with glutamine at codon 351 of the BRCA1 protein (p.Lys351Gln). The lysine residue is weakly conserved and there is a small physicochemical difference between lysine and glutamine. In summary, the available evidence is currently insufficient to determine the role of this variant in disease. Therefore, it has been classified as a Variant of Uncertain Significance. Algorithms developed to predict the effect of missense changes on protein structure and function output the following: SIFT: "Tolerated"; PolyPhen-2: "Possibly Damaging"; Align-GVGD: "Class C0". The glutamine amino acid residue is found in multiple mammalian species, suggesting that this missense change does not adversely affect protein function. These predictions have not been confirmed by published functional studies and their clinical significance is uncertain. This variant has not been reported in the literature in individuals with BRCA1-related conditions. This variant is not present in population databases (ExAC no frequency).

NM_007294.4(BRCA1):c.1051A>C (p.Lys351Gln)

Gene: BRCA1 (BRCA1 DNA repair associated; minus strand). Cytogenetic location: 17q21.31.
Variant type: single nucleotide variant.
Coding change: c.1051A>C on transcript NM_007294.4 (MANE Select); coding-DNA position 1051, A replaced by C.
Protein change: p.Lys351Gln; replaces lysine 351 with glutamine.
Molecular consequence: missense variant. On other transcripts: intron variant (137).
Genome position (GRCh38, 1-based): chr17:43,094,480, T>G on the plus strand (A>C on the coding strand, the complement: BRCA1 is on the minus strand). VCF-style: chr17-43094480-T-G. GRCh37 (hg19) VCF-style: chr17-41246497-T-G.
Other names: c.838A>C, p.Lys280Gln (NM_001407571.1, NM_001407853.1, NM_001407894.1 and 9 more transcripts); c.1051A>C, p.Lys351Gln (NM_001407581.1, NM_001407582.1, NM_001407583.1 and 30 more transcripts); c.1048A>C, p.Lys350Gln (NM_001407587.1, NM_001407590.1, NM_001407591.1 and 22 more transcripts); c.1042A>C, p.Lys348Gln (NM_001407646.1, NM_001407647.1); c.928A>C, p.Lys310Gln (NM_001407648.1, NM_001407664.1, NM_001407665.1 and 19 more transcripts); c.925A>C, p.Lys309Gln (NM_001407649.1, NM_001407670.1, NM_001407671.1 and 11 more transcripts); c.973A>C, p.Lys325Gln (NM_001407653.1, NM_001407654.1, NM_001407655.1 and 4 more transcripts); c.970A>C, p.Lys324Gln (NM_001407659.1, NM_001407660.1, NM_001407661.1 and 1 more transcripts); and 40 more; short protein forms K304Q, K351Q, K224Q, K240Q, K280Q, K303Q, K350Q, K239Q.
Identifiers: ClinVar variation 1062596 (VCV001062596.12), dbSNP rs1178253962, ClinGen allele CA10599960.